The following is an entry in ClinVar:

ClinVar aggregate classification (germline): Uncertain significance. Review status: criteria provided, multiple submitters, no conflicts (2 of 4 stars). 2 submissions from 2 submitters: Uncertain significance (2). Last evaluated 2025-09-07.

Conditions:
Hypertrophic cardiomyopathy 2. Also called: TNNT2-Related Familial Hypertrophic Cardiomyopathy. Identifiers: MedGen C1861864, MONDO:0007266, OMIM 115195.
Cardiomyopathy, familial restrictive, 3. Identifiers: Orphanet 75249, MedGen C2676271, MONDO:0012900, OMIM 612422.
Dilated cardiomyopathy 1D. Identifiers: Orphanet 154, Orphanet 54260, MedGen C1832243, MONDO:0011095, OMIM 601494.
Cardiomyopathy (CMYO). Also called: Cardiomyopathies. Identifiers: Orphanet 167848, MedGen C0878544, MONDO:0004994, HP:0001638. Inheritance: Various modes of inheritance.

Submissions (2):

Labcorp Genetics (formerly Invitae), Labcorp
Classification: Uncertain significance for Cardiomyopathy, familial restrictive, 3; Hypertrophic cardiomyopathy 2; Dilated cardiomyopathy 1D. Last evaluated: 2025-09-07. Review status: criteria provided, single submitter. Criteria: Invitae Variant Classification Sherloc (09022015). Collection method: clinical testing. Allele origin: germline.
Comment: This sequence change replaces glutamine, which is neutral and polar, with histidine, which is basic and polar, at codon 137 of the TNNT2 protein (p.Gln137His). This variant is not present in population databases (gnomAD no frequency). This missense change has been observed in individual(s) with hypertrophic cardiomyopathy (internal data). Invitae Evidence Modeling of protein sequence and biophysical properties (such as structural, functional, and spatial information, amino acid conservation, physicochemical variation, residue mobility, and thermodynamic stability) has been performed for this missense variant. However, the output from this modeling did not meet the statistical confidence thresholds required to predict the impact of this variant on TNNT2 protein function. In summary, the available evidence is currently insufficient to determine the role of this variant in disease. Therefore, it has been classified as a Variant of Uncertain Significance.

Color Diagnostics, LLC DBA Color Health
Classification: Uncertain significance for Cardiomyopathy. Last evaluated: 2025-07-25. Review status: criteria provided, single submitter. Criteria: ACMG Guidelines, 2015. Collection method: clinical testing. Allele origin: germline.
Comment: This missense variant replaces glutamine with histidine at codon 137 of the TNNT2 protein. Computational prediction suggests that this variant may have deleterious impact on protein structure and function. To our knowledge, functional studies have not been reported for this variant. This variant has not been reported in individuals affected with TNNT2-related disorders in the literature. This variant has not been identified in the general population by the Genome Aggregation Database (gnomAD). The available evidence is insufficient to determine the role of this variant in disease conclusively. Therefore, this variant is classified as a Variant of Uncertain Significance.

NM_001276345.2(TNNT2):c.441G>T (p.Gln147His)

Gene: TNNT2 (troponin T2, cardiac type; minus strand). Cytogenetic location: 1q32.1.
Variant type: single nucleotide variant.
Coding change: c.441G>T on transcript NM_001276345.2 (MANE Select); coding-DNA position 441, G replaced by T.
Protein change: p.Gln147His; replaces glutamine 147 with histidine.
Molecular consequence: missense variant.
Genome position (GRCh38, 1-based): chr1:201,364,346, C>A on the plus strand (G>T on the coding strand, the complement: TNNT2 is on the minus strand). VCF-style: chr1-201364346-C-A. GRCh37 (hg19) VCF-style: chr1-201333474-C-A.
Other names: c.441G>T, p.Gln147His (NM_000364.4, NM_001406723.1); c.411G>T, p.Gln137His (NM_001001430.3, NM_001001431.3, NM_001276347.2 and 3 more transcripts); c.396G>T, p.Gln132His (NM_001001432.3, NM_001406728.1); c.321G>T, p.Gln107His (NM_001276346.2); c.408G>T, p.Gln136His (NM_001406725.1); short protein forms Q107H, Q132H, Q136H, Q137H, Q147H.
Identifiers: ClinVar variation 4758555 (VCV004758555.2).
Genomic context (GRCh38, chr1:201,364,346, plus strand): 5'-GGGGTCACTCACAGCCAGGCGGTTCTGCCGCTCCTTCTCCCGCTCATTCCGGATGCGCTG[C>A]TGCTCGGCCCGCTCTGCCCGACGTCTCTCCTAAGGAGAAGAGGCAAAGCCCACCCAGGTG-3'
Protein context (NP_001263274.1, residues 137-157): IERRRAERAE[Gln147His]QRIRNEREKE